The following is an entry in ClinVar:

NM_004336.5(BUB1):c.1237C>T (p.His413Tyr)

Gene: BUB1 (BUB1 mitotic checkpoint serine/threonine kinase; minus strand). Cytogenetic location: 2q13.
Variant type: single nucleotide variant.
Coding change: c.1237C>T on transcript NM_004336.5 (MANE Select); coding-DNA position 1237, C replaced by T.
Protein change: p.His413Tyr; replaces histidine 413 with tyrosine.
Molecular consequence: missense variant.
Genome position (GRCh38, 1-based): chr2:110,660,017, G>A on the plus strand (C>T on the coding strand, the complement: BUB1 is on the minus strand). VCF-style: chr2-110660017-G-A. GRCh37 (hg19) VCF-style: chr2-111417594-G-A.
Other names: c.1177C>T, p.His393Tyr (NM_001278616.2); c.1237C>T, p.His413Tyr (NM_001278617.2); short protein forms H413Y, H393Y.
Identifiers: ClinVar variation 2451274 (VCV002451274.2), dbSNP rs2468013480, ClinGen allele CA348214111.

ClinVar aggregate classification (germline): Uncertain significance (1 of 4 stars; one submission).

Submission:

Ambry Genetics
Classification: Uncertain significance. Last evaluated: 2023-02-16. Review status: criteria provided, single submitter. Criteria: Ambry Variant Classification Scheme 2023. Collection method: clinical testing. Allele origin: germline.
Comment: The p.H413Y variant (also known as c.1237C>T), located in coding exon 11 of the BUB1 gene, results from a C to T substitution at nucleotide position 1237. The histidine at codon 413 is replaced by tyrosine, an amino acid with similar properties. This amino acid position is conserved. In addition, this alteration is predicted to be tolerated by in silico analysis. Since supporting evidence is limited at this time, the clinical significance of this alteration remains unclear.